The following is an entry in ClinVar:

ClinVar aggregate classification (germline): Uncertain significance (0 of 4 stars; one submission).

Conditions:
SH2B1-related disorder. Also called: SH2B1-related condition.

Submission:

PreventionGenetics, part of Exact Sciences
Classification: Uncertain significance for SH2B1-related condition. Last evaluated: 2023-12-27. Review status: no assertion criteria provided. Collection method: clinical testing. Allele origin: germline.
Comment: The SH2B1 c.2030C>T variant is predicted to result in the amino acid substitution p.Pro677Leu. To our knowledge, this variant has not been reported in the literature or in a large population database, indicating this variant is rare. At this time, the clinical significance of this variant is uncertain due to the absence of conclusive functional and genetic evidence.

NM_001387430.1(SH2B1):c.1898-198C>T

Gene: SH2B1 (SH2B adaptor protein 1; plus strand). Cytogenetic location: 16p11.2.
Variant type: single nucleotide variant.
Coding change: c.1898-198C>T on transcript NM_001387430.1 (MANE Select); 198 bases into the intron before coding-DNA position 1898, C replaced by T.
Molecular consequence: intron variant. On other transcripts: synonymous variant (4), missense variant (1).
Genome position (GRCh38, 1-based): chr16:28,873,249, C>T. VCF-style: chr16-28873249-C-T. GRCh37 (hg19) VCF-style: chr16-28884570-C-T.
Other names: c.1977C>T, p.Pro659= (NM_001145796.2, NM_001145812.2, NM_015503.3); c.2030C>T, p.Pro677Leu (NM_001145797.2); c.969C>T, p.Pro323= (NM_001308294.2); c.1898-198C>T (NM_001308293.2, NM_001387404.1, NM_001145795.2); short protein forms P677L.
Identifiers: ClinVar variation 3349361 (VCV003349361.1).